The following is an entry in ClinVar:

NM_058195.4(CDKN2A):c.165A>G (p.Leu55=)

Gene: CDKN2A (cyclin dependent kinase inhibitor 2A; minus strand). Cytogenetic location: 9p21.3.
Variant type: single nucleotide variant.
Coding change: c.165A>G on transcript NM_058195.4 (MANE Plus Clinical); coding-DNA position 165, A replaced by G.
Protein change: p.Leu55=; no amino-acid change (leucine 55 retained).
Molecular consequence: synonymous variant. On other transcripts: intron variant (1).
Genome position (GRCh38, 1-based): chr9:21,994,167, T>C on the plus strand (A>G on the coding strand, the complement: CDKN2A is on the minus strand). VCF-style: chr9-21994167-T-C. GRCh37 (hg19) VCF-style: chr9-21994166-T-C.
Other names: c.-4+654A>G (NM_001363763.2).
Identifiers: ClinVar variation 1777428 (VCV001777428.3), dbSNP rs1820527413, ClinGen allele CA464100268.

ClinVar aggregate classification (germline): Benign/Likely benign. Review status: criteria provided, multiple submitters, no conflicts (2 of 4 stars). 2 submissions from 2 submitters: Benign (1); Likely benign (1). Last evaluated 2025-08-12.

Conditions:
Melanoma-pancreatic cancer syndrome. Identifiers: Orphanet 404560, MedGen C1838547, MONDO:0011713, OMIM 606719. Disease mechanism: loss of function.
Hereditary cancer-predisposing syndrome. Also called: Hereditary neoplastic syndrome; Neoplastic Syndromes, Hereditary; Tumor predisposition; Hereditary Cancer Syndrome. Identifiers: Orphanet 140162, MedGen C0027672, MeSH D009386, MONDO:0015356.

Allele frequency attached by ClinVar (database versions not stated): gnomAD exomes below 0.00001.
gnomAD v4.1: 2 of 1,603,566 alleles (0.00012%); highest among the groups gnomAD compares: East Asian, 0.0022%; no homozygotes.

Submissions (2):

Myriad Genetics, Inc.
Classification: Benign for Melanoma-pancreatic cancer syndrome. Last evaluated: 2025-08-12. Review status: criteria provided, single submitter. Criteria: Myriad Autosomal Dominant, Autosomal Recessive and X-Linked Classification Criteria (2023). Collection method: clinical testing. Allele origin: unknown.
Comment: This variant is considered benign. This variant is a silent/synonymous amino acid change and it is not expected to impact splicing.

Ambry Genetics
Classification: Likely benign for Hereditary cancer-predisposing syndrome. Last evaluated: 2022-02-06. Review status: criteria provided, single submitter. Criteria: Ambry Variant Classification Scheme 2023. Collection method: clinical testing. Allele origin: germline.